The following is an entry in ClinVar:

NM_001303052.2(MYT1L):c.2583C>G (p.Thr861=)

Gene: MYT1L (myelin transcription factor 1 like; minus strand). Cytogenetic location: 2p25.3.
Variant type: single nucleotide variant.
Coding change: c.2583C>G on transcript NM_001303052.2 (MANE Select); coding-DNA position 2583, C replaced by G.
Protein change: p.Thr861=; no amino-acid change (threonine 861 retained).
Molecular consequence: synonymous variant.
Genome position (GRCh38, 1-based): chr2:1,887,547, G>C on the plus strand (C>G on the coding strand, the complement: MYT1L is on the minus strand). VCF-style: chr2-1887547-G-C. GRCh37 (hg19) VCF-style: chr2-1891319-G-C.
Other names: c.2583C>G, p.Thr861= (NM_001329844.2, NM_001329845.1, NM_001329851.3); c.2577C>G, p.Thr859= (NM_001329846.3, NM_001329847.2, NM_001329848.1 and 3 more transcripts); c.2583C>G (NM_001303052.1).
Identifiers: ClinVar variation 1227932 (VCV001227932.4), dbSNP rs201165480, ClinGen allele CA1514000.

ClinVar aggregate classification (germline): Benign. Review status: criteria provided, single submitter (1 of 4 stars). 2 submissions from 2 submitters: Benign (1). 1 of the submissions does not count toward it. Last evaluated 2020-08-03.

Conditions:
MYT1L-related disorder. Also called: MYT1L-related condition.

Allele frequency attached by ClinVar (database versions not stated): gnomAD exomes 0.00003 and 0.00013; ExAC 0.00012; gnomAD 0.00038 and 0.00041; ESP Exome Variant Server 0.00041; TOPMed 0.00048; 1000 Genomes Project 0.00060; 1000 Genomes Project 30x 0.00078.
gnomAD v4.1: 104 of 1,613,938 alleles (0.0064%); highest among the groups gnomAD compares: African/African-American, 0.11%; no homozygotes.

Submissions (2):

GeneDx
Classification: Benign. Last evaluated: 2020-08-03. Review status: criteria provided, single submitter. Criteria: GeneDx Variant Classification Process June 2021. Collection method: clinical testing. Allele origin: germline. Affected: yes.

PreventionGenetics, part of Exact Sciences
Classification: Likely benign for MYT1L-related condition. Last evaluated: 2024-07-26. Review status: no assertion criteria provided. Collection method: clinical testing. Allele origin: germline. Not counted in ClinVar's aggregate classification.
Comment: This variant is classified as likely benign based on ACMG/AMP sequence variant interpretation guidelines (Richards et al. 2015 PMID: 25741868, with internal and published modifications).